The following is an entry in ClinVar:

NM_018122.5(DARS2):c.106A>G (p.Ser36Gly)

Gene: DARS2 (aspartyl-tRNA synthetase 2, mitochondrial; plus strand). Cytogenetic location: 1q25.1.
Variant type: single nucleotide variant.
Coding change: c.106A>G on transcript NM_018122.5 (MANE Select); coding-DNA position 106, A replaced by G.
Protein change: p.Ser36Gly; replaces serine 36 with glycine.
Molecular consequence: missense variant.
Genome position (GRCh38, 1-based): chr1:173,825,335, A>G. VCF-style: chr1-173825335-A-G. GRCh37 (hg19) VCF-style: chr1-173794473-A-G.
Other names: c.106A>G, p.Ser36Gly (NM_001365212.1, NM_001365213.2); c.106A>G (NM_018122.4); short protein forms S36G.
Identifiers: ClinVar variation 2582868 (VCV002582868.26), dbSNP rs776337024, ClinGen allele CA1249980.

ClinVar aggregate classification (germline): Uncertain significance. Review status: criteria provided, multiple submitters, no conflicts (2 of 4 stars). 2 submissions from 2 submitters: Uncertain significance (2). Last evaluated 2025-04-06.

Allele frequency attached by ClinVar (database versions not stated): ExAC 0.00001.

Submissions (2):

GeneDx
Classification: Uncertain significance. Last evaluated: 2025-04-06. Review status: criteria provided, single submitter. Criteria: GeneDx Variant Classification Process June 2021. Collection method: clinical testing. Allele origin: germline. Affected: yes.
Comment: Not observed at significant frequency in large population cohorts (gnomAD); In silico analysis indicates that this missense variant does not alter protein structure/function; Has not been previously published as pathogenic or benign to our knowledge

CeGaT Center for Human Genetics Tuebingen
Classification: Uncertain significance. Last evaluated: 2023-09-01. Review status: criteria provided, single submitter. Criteria: CeGaT Center For Human Genetics Tuebingen Variant Classification Criteria Version 2. Collection method: clinical testing. Allele origin: germline. Affected: yes. Observed: 1 variant allele.
Comment: DARS2: PM2, BP4